The following is an entry in ClinVar:

ClinVar aggregate classification (germline): Uncertain significance (1 of 4 stars; one submission).

Conditions:
Autosomal recessive limb-girdle muscular dystrophy type 2J (LGMDR10). Also called: Limb-girdle muscular dystrophy, type 2J; MUSCULAR DYSTROPHY, LIMB-GIRDLE, AUTOSOMAL RECESSIVE 10. Identifiers: Orphanet 140922, MedGen C1837342, MONDO:0012127, OMIM 608807.
Dilated cardiomyopathy 1G (CMD1G). Identifiers: Orphanet 154, MedGen C1858763, MONDO:0011400, OMIM 604145.

Submission:

Labcorp Genetics (formerly Invitae), Labcorp
Classification: Uncertain significance for Dilated cardiomyopathy 1G; Autosomal recessive limb-girdle muscular dystrophy type 2J. Last evaluated: 2023-06-29. Review status: criteria provided, single submitter. Criteria: Invitae Variant Classification Sherloc (09022015). Collection method: clinical testing. Allele origin: unknown.
Comment: This variant disrupts the I band(s) of TTN (PMID: 25589632). Copy number variants in TTN have been previously reported in individuals affected with neuromuscular disorders (PMID: 29792937, 30238059), but the functional significance of this variant is currently unknown. In summary, the available evidence is currently insufficient to determine the role of this variant in disease. Therefore, it has been classified as a Variant of Uncertain Significance. This variant has not been reported in the literature in individuals affected with TTN-related conditions. This variant results in a copy number gain of the genomic region encompassing exon(s) 29-44 of the TTN gene. While the exact position of this variant cannot be determined from the data, sub-genic copy number gains are generally in tandem (PMID: 25640679). This variant is predicted to be in-frame, and likely preserves the integrity of the reading frame.

Literature cited by the submitters: PubMed 25589632; PubMed 29792937; PubMed 30238059; PubMed 25640679.

NC_000002.11:g.(?_179623691)_(179639949_?)dup

Gene: TTN (titin; minus strand). Cytogenetic location: 2q31.2.
Variant type: Duplication.
Identifiers: ClinVar variation 3247291 (VCV003247291.1).